The following is an entry in ClinVar:

NM_004517.4(ILK):c.580A>G (p.Asn194Asp)

Genes: ILK (integrin linked kinase; plus strand), TAF10 (TATA-box binding protein associated factor 10; minus strand). Cytogenetic location: 11p15.4.
Variant type: single nucleotide variant.
Coding change: c.580A>G on transcript NM_004517.4 (MANE Select); coding-DNA position 580, A replaced by G.
Protein change: p.Asn194Asp; replaces asparagine 194 with aspartic acid.
Molecular consequence: missense variant. On other transcripts: 3 prime UTR variant (1), intron variant (1).
Genome position (GRCh38, 1-based): chr11:6,609,118, A>G. VCF-style: chr11-6609118-A-G. GRCh37 (hg19) VCF-style: chr11-6630349-A-G.
Other names: c.580A>G, p.Asn194Asp (NM_001014794.3, NM_001014795.3); c.178A>G, p.Asn60Asp (NM_001278442.2); c.*1804T>C (NM_006284.4); c.435+151A>G (NM_001278441.2); short protein forms N194D, N60D.
Identifiers: ClinVar variation 532032 (VCV000532032.18), dbSNP rs761882549, ClinGen allele CA5858105.
Genomic context (GRCh38, chr11:6,609,118, plus strand): 5'-CCCACACTCTTAGGAAATGGAACCCTGAACAAACACTCTGGCATTGACTTCAAACAGCTT[A>G]ACTTCCTGACGAAGCTCAACGAGAATCACTCTGGAGAGGTGACCCCTGCCCTTCTTGCCC-3'
Protein context (NP_004508.1, residues 184-204): KHSGIDFKQL[Asn194Asp]FLTKLNENHS

ClinVar aggregate classification (germline): Conflicting classifications of pathogenicity. Review status: criteria provided, conflicting classifications (1 of 4 stars). 3 submissions from 3 submitters: Uncertain significance (2); Likely benign (1). Last evaluated 2025-08-03.

Conditions:
Primary familial hypertrophic cardiomyopathy (HCM). Identifiers: Orphanet 99739, MedGen C0949658, MeSH D024741, MONDO:0024573. Inheritance: Various modes of inheritance.

Allele frequency attached by ClinVar (database versions not stated): ExAC 0.00002; gnomAD exomes 0.00002 and 0.00007; TOPMed 0.00004; gnomAD 0.00005.
gnomAD v4.1: 104 of 1,614,074 alleles (0.0064%); highest among the groups gnomAD compares: Non-Finnish European, 0.0087%; no homozygotes.

Submissions (3):

Ambry Genetics
Classification: Uncertain significance. Last evaluated: 2025-08-03. Review status: criteria provided, single submitter. Criteria: Ambry Variant Classification Scheme 2023. Collection method: clinical testing. Allele origin: germline.
Comment: The p.N194D variant (also known as c.580A>G), located in coding exon 6 of the ILK gene, results from an A to G substitution at nucleotide position 580. The asparagine at codon 194 is replaced by aspartic acid, an amino acid with highly similar properties. This amino acid position is conserved. In addition, this alteration is predicted to be tolerated by in silico analysis. Since supporting evidence is limited at this time, the clinical significance of this alteration remains unclear.

Labcorp Genetics (formerly Invitae), Labcorp
Classification: Uncertain significance for Primary familial hypertrophic cardiomyopathy. Last evaluated: 2025-06-16. Review status: criteria provided, single submitter. Criteria: Invitae Variant Classification Sherloc (09022015). Collection method: clinical testing. Allele origin: germline.
Comment: This sequence change replaces asparagine, which is neutral and polar, with aspartic acid, which is acidic and polar, at codon 194 of the ILK protein (p.Asn194Asp). This variant is present in population databases (rs761882549, gnomAD 0.005%). This variant has not been reported in the literature in individuals affected with ILK-related conditions. ClinVar contains an entry for this variant (Variation ID: 532032). An algorithm developed to predict the effect of missense changes on protein structure and function (PolyPhen-2) suggests that this variant is likely to be tolerated. In summary, the available evidence is currently insufficient to determine the role of this variant in disease. Therefore, it has been classified as a Variant of Uncertain Significance.

Blueprint Genetics
Classification: Likely benign. Last evaluated: 2023-11-01. Review status: criteria provided, single submitter. Criteria: ACMG Guidelines, 2015. Collection method: clinical testing. Allele origin: germline.